The following is an entry in ClinVar:

ClinVar aggregate classification (germline): Uncertain significance (1 of 4 stars; one submission).

Submission:

Labcorp Genetics (formerly Invitae), Labcorp
Classification: Uncertain significance. Last evaluated: 2021-10-17. Review status: criteria provided, single submitter. Criteria: Invitae Variant Classification Sherloc (09022015). Collection method: clinical testing. Allele origin: germline.
Comment: In summary, the available evidence is currently insufficient to determine the role of this variant in disease. Therefore, it has been classified as a Variant of Uncertain Significance. This sequence change replaces proline with arginine at codon 766 of the COL4A2 protein (p.Pro766Arg). The proline residue is moderately conserved and there is a moderate physicochemical difference between proline and arginine. The frequency data for this variant in the population databases is considered unreliable, as metrics indicate insufficient coverage at this position in the ExAC database. This variant has not been reported in the literature in individuals affected with COL4A2-related conditions. Advanced modeling of protein sequence and biophysical properties (such as structural, functional, and spatial information, amino acid conservation, physicochemical variation, residue mobility, and thermodynamic stability) performed at Invitae indicates that this missense variant is not expected to disrupt COL4A2 protein function.

NM_001846.4(COL4A2):c.2297C>G (p.Pro766Arg)

Gene: COL4A2 (collagen type IV alpha 2 chain; plus strand). Cytogenetic location: 13q34.
Variant type: single nucleotide variant.
Coding change: c.2297C>G on transcript NM_001846.4 (MANE Select); coding-DNA position 2297, C replaced by G.
Protein change: p.Pro766Arg; replaces proline 766 with arginine.
Molecular consequence: missense variant.
Genome position (GRCh38, 1-based): chr13:110,473,022, C>G. VCF-style: chr13-110473022-C-G. GRCh37 (hg19) VCF-style: chr13-111125369-C-G.
Other names: short protein forms P766R.
Identifiers: ClinVar variation 1497600 (VCV001497600.6), dbSNP rs1193775766, ClinGen allele CA388742291.